The following is an entry in ClinVar:

ClinVar aggregate classification (germline): Conflicting classifications of pathogenicity. Review status: criteria provided, conflicting classifications (1 of 4 stars). 2 submissions from 2 submitters: Uncertain significance (1); Likely benign (1). Last evaluated 2025-10-11.

Allele frequency attached by ClinVar (database versions not stated): gnomAD exomes 0.00004 and 0.00010; ExAC 0.00013; gnomAD 0.00045 and 0.00047; ESP Exome Variant Server 0.00046; TOPMed 0.00053.
gnomAD v4.1: 141 of 1,613,964 alleles (0.0087%); highest among the groups gnomAD compares: African/African-American, 0.14%; no homozygotes.

Submissions (2):

Labcorp Genetics (formerly Invitae), Labcorp
Classification: Likely benign. Last evaluated: 2025-10-11. Review status: criteria provided, single submitter. Criteria: Invitae Variant Classification Sherloc (09022015). Collection method: clinical testing. Allele origin: germline.

GeneDx
Classification: Uncertain significance. Last evaluated: 2021-09-10. Review status: criteria provided, single submitter. Criteria: GeneDx Variant Classification Process June 2021. Collection method: clinical testing. Allele origin: germline. Affected: yes.
Comment: In silico analysis, which includes protein predictors and evolutionary conservation, supports that this variant does not alter protein structure/function; Has not been previously published as pathogenic or benign to our knowledge

NM_002296.4(LBR):c.1057C>T (p.Arg353Trp)

Gene: LBR (lamin B receptor; minus strand). Cytogenetic location: 1q42.12.
Variant type: single nucleotide variant.
Coding change: c.1057C>T on transcript NM_002296.4 (MANE Select); coding-DNA position 1057, C replaced by T.
Protein change: p.Arg353Trp; replaces arginine 353 with tryptophan.
Molecular consequence: missense variant.
Genome position (GRCh38, 1-based): chr1:225,412,481, G>A on the plus strand (C>T on the coding strand, the complement: LBR is on the minus strand). VCF-style: chr1-225412481-G-A. GRCh37 (hg19) VCF-style: chr1-225600183-G-A.
Other names: c.1057C>T, p.Arg353Trp (NM_194442.3); short protein forms R353W.
Identifiers: ClinVar variation 1145493 (VCV001145493.11), dbSNP rs138731836, ClinGen allele CA1417257.